The following is an entry in ClinVar:

ClinVar aggregate classification (germline): Likely benign. Review status: criteria provided, multiple submitters, no conflicts (2 of 4 stars). 4 submissions from 4 submitters: Likely benign (4). Last evaluated 2025-08-29.

Conditions:
Myofibrillar myopathy 5. Also called: Filaminopathy (type); FILAMINOPATHY, AUTOSOMAL DOMINANT. Identifiers: Orphanet 171445, MedGen C1836050, MONDO:0012289, OMIM 609524.
Hypertrophic cardiomyopathy 26. Also called: Cardiomyopathy, familial hypertrophic, 26. Identifiers: Orphanet 75249, MedGen C4310749, MONDO:0014883, OMIM 617047.
Distal myopathy with posterior leg and anterior hand involvement. Also called: WILLIAMS DISTAL MYOPATHY. Identifiers: Orphanet 63273, MedGen C3279722, MONDO:0013550, OMIM 614065.
Cardiomyopathy (CMYO). Also called: Cardiomyopathies. Identifiers: Orphanet 167848, MedGen C0878544, MONDO:0004994, HP:0001638. Inheritance: Various modes of inheritance.
Cardiovascular phenotype. Identifiers: MedGen CN230736.

Allele frequency attached by ClinVar (database versions not stated): gnomAD 0.00001; gnomAD exomes 0.00003; ExAC 0.00004.
gnomAD v4.1: 31 of 1,614,012 alleles (0.0019%); highest among the groups gnomAD compares: South Asian, 0.0099%; no homozygotes.

Submissions (4):

Labcorp Genetics (formerly Invitae), Labcorp
Classification: Likely benign for Distal myopathy with posterior leg and anterior hand involvement; Myofibrillar myopathy 5; Hypertrophic cardiomyopathy 26. Last evaluated: 2025-08-29. Review status: criteria provided, single submitter. Criteria: Invitae Variant Classification Sherloc (09022015). Collection method: clinical testing. Allele origin: germline.

Molecular Diagnostic Laboratory for Inherited Cardiovascular Disease, Montreal Heart Institute
Classification: Likely benign. Last evaluated: 2025-04-09. Review status: criteria provided, single submitter. Criteria: ACMG Guidelines, 2015. Collection method: clinical testing. Allele origin: germline. Affected: no.
Comment: BP6;BP7

CHEO Genetics Diagnostic Laboratory, Children's Hospital of Eastern Ontario
Classification: Likely benign for Cardiomyopathy. Last evaluated: 2022-03-16. Review status: criteria provided, single submitter. Criteria: ACMG Guidelines, 2015. Collection method: clinical testing. Allele origin: germline.

Ambry Genetics
Classification: Likely benign for Cardiovascular phenotype. Last evaluated: 2021-03-05. Review status: criteria provided, single submitter. Criteria: Ambry Variant Classification Scheme 2023. Collection method: clinical testing. Allele origin: germline.

NM_001458.5(FLNC):c.1470C>T (p.Arg490=)

Gene: FLNC (filamin C; plus strand). Cytogenetic location: 7q32.1.
Variant type: single nucleotide variant.
Coding change: c.1470C>T on transcript NM_001458.5 (MANE Select); coding-DNA position 1470, C replaced by T.
Protein change: p.Arg490=; no amino-acid change (arginine 490 retained).
Molecular consequence: synonymous variant.
Genome position (GRCh38, 1-based): chr7:128,840,081, C>T. VCF-style: chr7-128840081-C-T. GRCh37 (hg19) VCF-style: chr7-128480135-C-T.
Other names: c.1470C>T, p.Arg490= (NM_001127487.2).
Identifiers: ClinVar variation 1577694 (VCV001577694.13), dbSNP rs765212618, ClinGen allele CA4474352.